The following is an entry in ClinVar:

NM_005591.4(MRE11):c.1462C>T (p.Arg488Cys)

Gene: MRE11 (MRE11 double strand break repair nuclease; minus strand). Cytogenetic location: 11q21.
Variant type: single nucleotide variant.
Coding change: c.1462C>T on transcript NM_005591.4 (MANE Select); coding-DNA position 1462, C replaced by T.
Protein change: p.Arg488Cys; replaces arginine 488 with cysteine.
Molecular consequence: missense variant.
Genome position (GRCh38, 1-based): chr11:94,459,446, G>A on the plus strand (C>T on the coding strand, the complement: MRE11 is on the minus strand). VCF-style: chr11-94459446-G-A. GRCh37 (hg19) VCF-style: chr11-94192612-G-A.
Other names: p.R488C:CGT>TGT; c.1462C>T, p.Arg488Cys (NM_001330347.2, NM_005590.4); short protein forms R488C.
Identifiers: ClinVar variation 127972 (VCV000127972.21), dbSNP rs375261439, ClinGen allele CA288164.

ClinVar aggregate classification (germline): Conflicting classifications of pathogenicity. Review status: criteria provided, conflicting classifications (1 of 4 stars). 9 submissions from 9 submitters: Uncertain significance (7); Likely benign (2). Last evaluated 2025-08-01.

Conditions:
MRE11-related disorder. Also called: MRE11-related condition.
Ataxia-telangiectasia-like disorder (ATLD). Identifiers: MedGen C1858391, MONDO:0011457.
Hereditary cancer-predisposing syndrome. Also called: Neoplastic Syndromes, Hereditary; Tumor predisposition; Hereditary Cancer Syndrome; Hereditary neoplastic syndrome. Identifiers: Orphanet 140162, MedGen C0027672, MeSH D009386, MONDO:0015356.
Ataxia-telangiectasia-like disorder 1 (ATLD1). Identifiers: Orphanet 251347, MedGen C4012790, MONDO:0024557, OMIM 604391.

Allele frequency attached by ClinVar (database versions not stated): TOPMed 0.00005; gnomAD 0.00006; ESP Exome Variant Server 0.00008; ExAC 0.00010; 1000 Genomes Project 30x 0.00016; 1000 Genomes Project 0.00020.
gnomAD v4.1: 109 of 1,613,930 alleles (0.0068%); highest among the groups gnomAD compares: East Asian, 0.016%; no homozygotes.

Submissions (9):

PreventionGenetics, part of Exact Sciences
Classification: Uncertain significance for MRE11-related condition. Last evaluated: 2025-08-01. Review status: criteria provided, single submitter. Criteria: ACMG Guidelines, 2015. Collection method: clinical testing. Allele origin: germline.
Comment: The MRE11 c.1462C>T variant is predicted to result in the amino acid substitution p.Arg488Cys. This variant has been reported in multiple individuals with personal or family history of breast and/or ovarian cancer (Table S5, Tsaousis et al. 2019. PubMed ID: 31159747; gene referred to as MRE11A in Table S2, Couch et al. 2015. PubMed ID: 25452441). This variant is reported in 0.020% of alleles in individuals of European (Non-Finnish) descent in gnomAD and has conflicting interpretations of uncertain and likely benign in ClinVar (Variation ID: 127972). At this time, the clinical significance of this variant is uncertain due to the absence of conclusive functional and genetic evidence.

Labcorp Genetics (formerly Invitae), Labcorp
Classification: Uncertain significance for Ataxia-telangiectasia-like disorder. Last evaluated: 2025-07-18. Review status: criteria provided, single submitter. Criteria: Invitae Variant Classification Sherloc (09022015). Collection method: clinical testing. Allele origin: germline.
Comment: This sequence change replaces arginine, which is basic and polar, with cysteine, which is neutral and slightly polar, at codon 488 of the MRE11 protein (p.Arg488Cys). This variant is present in population databases (rs375261439, gnomAD 0.02%). This missense change has been observed in individual(s) with breast cancer and in individuals undergoing genetic testing for hereditary cancer predisposition (PMID: 25452441, 31159747). ClinVar contains an entry for this variant (Variation ID: 127972). An algorithm developed to predict the effect of missense changes on protein structure and function (PolyPhen-2) suggests that this variant is likely to be disruptive. In summary, the available evidence is currently insufficient to determine the role of this variant in disease. Therefore, it has been classified as a Variant of Uncertain Significance.

Blueprint Genetics
Classification: Likely benign. Last evaluated: 2024-11-01. Review status: criteria provided, single submitter. Criteria: ACMG Guidelines, 2015. Collection method: clinical testing. Allele origin: germline.

GeneDx
Classification: Uncertain significance. Last evaluated: 2024-09-12. Review status: criteria provided, single submitter. Criteria: GeneDx Variant Classification Process June 2021. Collection method: clinical testing. Allele origin: germline. Affected: yes.
Comment: In silico analysis supports that this missense variant has a deleterious effect on protein structure/function; This variant is associated with the following publications: (PMID: 36922933, 29641532, 26787654, 28569743, 25452441, 31159747, 31942411)

Baylor Genetics
Classification: Uncertain significance for Ataxia-telangiectasia-like disorder 1. Last evaluated: 2024-03-26. Review status: criteria provided, single submitter. Criteria: ACMG Guidelines, 2015. Collection method: clinical testing. Allele origin: unknown.

Fulgent Genetics
Classification: Uncertain significance for Ataxia-telangiectasia-like disorder 1. Last evaluated: 2024-02-23. Review status: criteria provided, single submitter. Criteria: ACMG Guidelines, 2015. Collection method: clinical testing. Allele origin: germline.

Center for Genomics, Ann and Robert H. Lurie Children's Hospital of Chicago
Classification: Uncertain significance for Ataxia-telangiectasia-like disorder 1. Last evaluated: 2021-12-22. Review status: criteria provided, single submitter. Criteria: ACMG Guidelines, 2015. Collection method: clinical testing. Allele origin: germline.
Comment: MRE11 NM_005591.4 exon 13 p.Arg488Cys (c.1462C>T): This variant has been observed in individuals in at least 10 individuals undergoing genetic testing for hereditary cancer predisposition (Couch 2015 PMID:25452441; Tsaousis 2019 PMID:31159747). It is present in 0.02% (26/129120) European alleles in the Genome Aggregation Database. This variant is present in ClinVar with classifications ranging from likely benign to VUS (Variation ID: 127972). Evolutionary conservation and computational predictive tools suggest that this variant may impact the protein. In summary, data on this variant is insufficient for disease classification. Therefore, the clinical significance of this variant is uncertain.

Ambry Genetics
Classification: Likely benign for Hereditary cancer-predisposing syndrome. Last evaluated: 2018-08-23. Review status: criteria provided, single submitter. Criteria: Ambry Variant Classification Scheme 2023. Collection method: clinical testing. Allele origin: germline.

GeneKor MSA
Classification: Uncertain significance for Hereditary cancer-predisposing syndrome. Last evaluated: 2018-08-01. Review status: criteria provided, single submitter. Criteria: ACMG Guidelines, 2015. Collection method: clinical testing. Allele origin: germline. Affected: yes.

Literature cited by the submitters: PubMed 25452441 (cited by Labcorp Genetics (formerly Invitae), Labcorp and Ambry Genetics); PubMed 31159747 (cited by Labcorp Genetics (formerly Invitae), Labcorp).